The following is an entry in ClinVar:

ClinVar aggregate classification (germline): Uncertain significance (1 of 4 stars; one submission).

Conditions:
Cardiovascular phenotype. Identifiers: MedGen CN230736.

gnomAD v4.1: 4 of 1,614,130 alleles (0.00025%); highest among the groups gnomAD compares: Non-Finnish European, 0.00034%; no homozygotes.

Submission:

Ambry Genetics
Classification: Uncertain significance for Cardiovascular phenotype. Last evaluated: 2025-07-09. Review status: criteria provided, single submitter. Criteria: Ambry Variant Classification Scheme 2023. Collection method: clinical testing. Allele origin: germline.
Comment: The p.K136N variant (also known as c.408G>T), located in coding exon 4 of the NEXN gene, results from a G to T substitution at nucleotide position 408. The lysine at codon 136 is replaced by asparagine, an amino acid with similar properties. This amino acid position is conserved. In addition, the in silico prediction for this alteration is inconclusive. Since supporting evidence is limited at this time, the clinical significance of this alteration remains unclear.

NM_144573.4(NEXN):c.408G>T (p.Lys136Asn)

Genes: NEXN (nexilin F-actin binding protein; plus strand), LOC126805765 (BRD4-independent group 4 enhancer GRCh37_chr1:78383688-78384887; plus strand). Cytogenetic location: 1p31.1.
Variant type: single nucleotide variant.
Coding change: c.408G>T on transcript NM_144573.4 (MANE Select); coding-DNA position 408, G replaced by T.
Protein change: p.Lys136Asn; replaces lysine 136 with asparagine.
Molecular consequence: missense variant.
Genome position (GRCh38, 1-based): chr1:77,918,234, G>T. VCF-style: chr1-77918234-G-T. GRCh37 (hg19) VCF-style: chr1-78383919-G-T.
Other names: c.216G>T, p.Lys72Asn (NM_001172309.2); short protein forms K136N, K72N.
Identifiers: ClinVar variation 1737729 (VCV001737729.3), dbSNP rs2102094793, ClinGen allele CA340887056.